The following is an entry in ClinVar:

ClinVar aggregate classification (germline): Uncertain significance (1 of 4 stars; one submission).

Conditions:
Familial focal epilepsy with variable foci (FPEVF). Identifiers: Orphanet 98820, MedGen C1858477, MONDO:0020310.

Submission:

Labcorp Genetics (formerly Invitae), Labcorp
Classification: Uncertain significance for Familial focal epilepsy with variable foci. Last evaluated: 2024-07-19. Review status: criteria provided, single submitter. Criteria: Invitae Variant Classification Sherloc (09022015). Collection method: clinical testing. Allele origin: germline.
Comment: This sequence change replaces serine, which is neutral and polar, with threonine, which is neutral and polar, at codon 1288 of the DEPDC5 protein (p.Ser1288Thr). This variant is not present in population databases (gnomAD no frequency). This variant has not been reported in the literature in individuals affected with DEPDC5-related conditions. Experimental studies and prediction algorithms are not available or were not evaluated, and the functional significance of this variant is currently unknown. In summary, the available evidence is currently insufficient to determine the role of this variant in disease. Therefore, it has been classified as a Variant of Uncertain Significance.

NM_001242896.3(DEPDC5):c.3863G>C (p.Ser1288Thr)

Gene: DEPDC5 (DEP domain containing 5, GATOR1 subcomplex subunit; plus strand). Cytogenetic location: 22q12.3.
Variant type: single nucleotide variant.
Coding change: c.3863G>C on transcript NM_001242896.3 (MANE Select); coding-DNA position 3863, G replaced by C.
Protein change: p.Ser1288Thr; replaces serine 1288 with threonine.
Molecular consequence: missense variant. On other transcripts: non-coding transcript variant (5).
Genome position (GRCh38, 1-based): chr22:31,879,582, G>C. VCF-style: chr22-31879582-G-C. GRCh37 (hg19) VCF-style: chr22-32275568-G-C.
Other names: c.3836G>C, p.Ser1279Thr (NM_001136029.4); c.3563G>C, p.Ser1188Thr (NM_001242897.2); c.3797G>C, p.Ser1266Thr (NM_001363852.2, NM_001364320.2); c.3629G>C, p.Ser1210Thr (NM_001363854.2, NM_001364319.2); c.3863G>C, p.Ser1288Thr (NM_001364318.2); c.3779G>C, p.Ser1260Thr (NM_001369901.1, NM_001369902.1); c.3770G>C, p.Ser1257Thr (NM_001369903.1, NM_014662.6); short protein forms S1188T, S1210T, S1257T, S1260T, S1266T, S1279T, S1288T.
Identifiers: ClinVar variation 3622305 (VCV003622305.2).
Genomic context (GRCh38, chr22:31,879,582, plus strand): 5'-CAGTGGCCATGCAGCAGCCCGCCACCACCTGGCACACAGCAGGAGTGGACGACTTCGCCA[G>C]CTTCCAGCGCAAGTGGTTTGAGGTGGCCTTTGTGGCAGAAGAGCTCGTGCACTCTGAGAT-3'
Protein context (NP_001229825.1, residues 1278-1298): WHTAGVDDFA[Ser1288Thr]FQRKWFEVAF